The following is an entry in ClinVar:

ClinVar aggregate classification (germline): Likely pathogenic (1 of 4 stars; one submission).

Conditions:
Hereditary cancer-predisposing syndrome. Also called: Neoplastic Syndromes, Hereditary; Tumor predisposition; Hereditary Cancer Syndrome; Hereditary neoplastic syndrome. Identifiers: Orphanet 140162, MedGen C0027672, MeSH D009386, MONDO:0015356.

Submission:

Ambry Genetics
Classification: Likely pathogenic for Hereditary cancer-predisposing syndrome. Last evaluated: 2025-12-13. Review status: criteria provided, single submitter. Criteria: Ambry Variant Classification Scheme 2023. Collection method: clinical testing. Allele origin: germline.
Comment: The c.1301-7_1323DEL30INS20 variant results from a deletion of 30 nucleotides and insertion of 20 nucleotides at positions c.1301-7 to c.1323 and involves the canonical splice acceptor site before coding exon 9 of the FLCN gene. In silico splice site analysis predicts that this alteration will weaken the native splice acceptor site; however, direct evidence is insufficient at this time (Ambry internal data). A resulting transcript is predicted to be in-frame and is not expected to trigger nonsense-mediated mRNAdecay. The region predicted to be impacted is critical for protein function (Ambry internal data). The canonical splice acceptor site is highly conserved in available vertebrate species. This variant is considered to be rare based on population cohorts in the Genome Aggregation Database (gnomAD). As such, this alteration is classified as likely pathogenic.

NM_144997.7(FLCN):c.1301-7_1323delinsTGCTGTCATCGTGGAGGTGA

Gene: FLCN (folliculin; minus strand). Cytogenetic location: 17p11.2.
Variant type: Indel.
Coding change: c.1301-7_1323delinsTGCTGTCATCGTGGAGGTGA on transcript NM_144997.7 (MANE Select); 7 bases into the intron before coding-DNA position 1301 through coding-DNA position 1323, GTTACAGAGTTTGCTGTCATCGTGGAGGTC replaced by TGCTGTCATCGTGGAGGTGA.
Molecular consequence: splice acceptor variant.
Genome position (GRCh38, 1-based): chr17:17,215,294-17,215,323, GACCTCCACGATGACAGCAAACTCTGTAAC replaced by TCACCTCCACGATGACAGCA on the plus strand (GTTACAGAGTTTGCTGTCATCGTGGAGGTC replaced by TGCTGTCATCGTGGAGGTGA on the coding strand, the reverse complement: FLCN is on the minus strand). GRCh37 (hg19): chr17:17,118,608-17,118,637.
Other names: c.1301-7_1323delinsTGCTGTCATCGTGGAGGTGA (NM_001353231.2, NM_001353230.2); c.1355-7_1377delinsTGCTGTCATCGTGGAGGTGA (NM_001353229.2).
Identifiers: ClinVar variation 4643237 (VCV004643237.1).
Genomic context (GRCh38, chr17:17,215,294, plus strand): 5'-GCTGAGAGACTGGTCATCCTCACACCCCACAGGGTGGAGGGTGGAACGTGCGGCTGCGTG[GACCTCCACGATGACAGCAAACTCTGTAAC>TCACCTCCACGATGACAGCA]AACACAAGGCCCGTGGCTCCTCATCTCCCCCATGCTCCTCACCTCCCCTGCGCTAGCCCA-3'